The following is an entry in ClinVar:

NM_000541.5(SAG):c.201C>T (p.Cys67=)

Gene: SAG (S-antigen visual arrestin; plus strand). Cytogenetic location: 2q37.1.
Variant type: single nucleotide variant.
Coding change: c.201C>T on transcript NM_000541.5 (MANE Select); coding-DNA position 201, C replaced by T.
Protein change: p.Cys67=; no amino-acid change (cysteine 67 retained).
Molecular consequence: synonymous variant.
Genome position (GRCh38, 1-based): chr2:233,320,649, C>T. VCF-style: chr2-233320649-C-T. GRCh37 (hg19) VCF-style: chr2-234229295-C-T.
Identifiers: ClinVar variation 335066 (VCV000335066.25), dbSNP rs72976383, ClinGen allele CA2174304.

ClinVar aggregate classification (germline): Benign/Likely benign. Review status: criteria provided, multiple submitters, no conflicts (2 of 4 stars). 5 submissions from 4 submitters: Benign (3); Likely benign (2). Last evaluated 2026-02-02.

Conditions:
Oguchi disease. Also called: Oguchi's disease. Identifiers: Orphanet 75382, MedGen C1306122, MONDO:0019152.
Retinitis pigmentosa (RP). Identifiers: Orphanet 791, MedGen C0035334, MeSH D012174, MONDO:0019200, OMIM 268000. Inheritance: Autosomal dominant, autosomal recessive and X linked inheritance.

Allele frequency attached by ClinVar (database versions not stated): 1000 Genomes Project 0.01158; 1000 Genomes Project 30x 0.01187; gnomAD 0.02134 and 0.02235; TOPMed 0.02160; ESP Exome Variant Server 0.02328; ExAC 0.04065.
gnomAD v4.1: 45,767 of 1,600,228 alleles (2.9%); highest among the groups gnomAD compares: Non-Finnish European, 3.3%; 740 homozygotes.

Submissions (5):

Labcorp Genetics (formerly Invitae), Labcorp
Classification: Benign. Last evaluated: 2026-02-02. Review status: criteria provided, single submitter. Criteria: Invitae Variant Classification Sherloc (09022015). Collection method: clinical testing. Allele origin: germline.

ARUP Laboratories, Molecular Genetics and Genomics, ARUP Laboratories
Classification: Benign. Last evaluated: 2023-11-09. Review status: criteria provided, single submitter. Criteria: ARUP Molecular Germline Variant Investigation Process 2024. Collection method: clinical testing. Allele origin: germline.

Illumina Laboratory Services, Illumina
Classification: Benign for Oguchi disease-1. Last evaluated: 2018-01-13. Review status: criteria provided, single submitter. Criteria: ICSL Variant Classification Criteria 13 December 2019. Collection method: clinical testing. Allele origin: germline.
Comment: This variant was observed in the ICSL laboratory as part of a predisposition screen in an ostensibly healthy population. It had not been previously curated by ICSL or reported in the Human Gene Mutation Database (HGMD: prior to June 1st, 2018), and was therefore a candidate for classification through an automated scoring system. Utilizing variant allele frequency, disease prevalence and penetrance estimates, and inheritance mode, an automated score was calculated to assess if this variant is too frequent to cause the disease. Based on the score and internal cut-off values, a variant classified as benign is not then subjected to further curation. The score for this variant resulted in a classification of benign for this disease.

Illumina Laboratory Services, Illumina
Classification: Likely benign for Retinitis pigmentosa. Last evaluated: 2018-01-13. Review status: criteria provided, single submitter. Criteria: ICSL Variant Classification Criteria 13 December 2019. Collection method: clinical testing. Allele origin: germline.
Comment: This variant was observed in the ICSL laboratory as part of a predisposition screen in an ostensibly healthy population. It had not been previously curated by ICSL or reported in the Human Gene Mutation Database (HGMD: prior to June 1st, 2018), and was therefore a candidate for classification through an automated scoring system. Utilizing variant allele frequency, disease prevalence and penetrance estimates, and inheritance mode, an automated score was calculated to assess if this variant is too frequent to cause the disease. Based on the score and internal cut-off values, a variant classified as likely benign is not then subjected to further curation. The score for this variant resulted in a classification of likely benign for this disease.

Breakthrough Genomics
Classification: Likely benign. Review status: criteria provided, single submitter. Criteria: ACMG Guidelines, 2015. Collection method: not provided. Allele origin: germline. Inheritance: Autosomal recessive inheritance. Affected: yes.